The following is an entry in ClinVar:

ClinVar aggregate classification (germline): Uncertain significance (0 of 4 stars; one submission).

Conditions:
IFT172-related disorder. Also called: IFT172-related disorders; IFT172-related condition.

gnomAD v4.1: 1 of 1,614,066 alleles (0.000062%); highest among the groups gnomAD compares: Non-Finnish European, 0.000085%; no homozygotes.

Submission:

PreventionGenetics, part of Exact Sciences
Classification: Uncertain significance for IFT172-related condition. Last evaluated: 2024-01-17. Review status: no assertion criteria provided. Collection method: clinical testing. Allele origin: germline.
Comment: The IFT172 c.320A>G variant is predicted to result in the amino acid substitution p.Asn107Ser. To our knowledge, this variant has not been reported in the literature or in a large population database, indicating this variant is rare. At this time, the clinical significance of this variant is uncertain due to the absence of conclusive functional and genetic evidence.

NM_015662.3(IFT172):c.320A>G (p.Asn107Ser)

Gene: IFT172 (intraflagellar transport 172; minus strand). Cytogenetic location: 2p23.3.
Variant type: single nucleotide variant.
Coding change: c.320A>G on transcript NM_015662.3 (MANE Select); coding-DNA position 320, A replaced by G.
Protein change: p.Asn107Ser; replaces asparagine 107 with serine.
Molecular consequence: missense variant.
Genome position (GRCh38, 1-based): chr2:27,484,243, T>C on the plus strand (A>G on the coding strand, the complement: IFT172 is on the minus strand). VCF-style: chr2-27484243-T-C. GRCh37 (hg19) VCF-style: chr2-27707110-T-C.
Other names: c.320A>G, p.Asn107Ser (NM_001410739.1); short protein forms N107S.
Identifiers: ClinVar variation 3348176 (VCV003348176.1).